The following is an entry in ClinVar:

NM_007272.3(CTRC):c.730A>G (p.Asn244Asp)

Gene: CTRC (chymotrypsin C; plus strand). Cytogenetic location: 1p36.21.
Variant type: single nucleotide variant.
Coding change: c.730A>G on transcript NM_007272.3 (MANE Select); coding-DNA position 730, A replaced by G.
Protein change: p.Asn244Asp; replaces asparagine 244 with aspartic acid.
Molecular consequence: missense variant.
Genome position (GRCh38, 1-based): chr1:15,445,687, A>G. VCF-style: chr1-15445687-A-G. GRCh37 (hg19) VCF-style: chr1-15772182-A-G.
Other names: short protein forms N244D.
Identifiers: ClinVar variation 3270178 (VCV003270178.1).

ClinVar aggregate classification (germline): Uncertain significance (1 of 4 stars; one submission).

Conditions:
Hereditary pancreatitis (PCTT). Also called: Hereditary chronic pancreatitis; PRSS1-Related Hereditary Pancreatitis. Identifiers: Orphanet 676, MedGen C0238339, MONDO:0008185, OMIM 167800.

Submission:

Ambry Genetics
Classification: Uncertain significance for Hereditary pancreatitis. Last evaluated: 2024-03-24. Review status: criteria provided, single submitter. Criteria: Ambry Variant Classification Scheme 2023. Collection method: clinical testing. Allele origin: germline.
Comment: The p.N244D variant (also known as c.730A>G), located in coding exon 7 of the CTRC gene, results from an A to G substitution at nucleotide position 730. The asparagine at codon 244 is replaced by aspartic acid, an amino acid with highly similar properties. This amino acid position is conserved. In addition, the in silico prediction for this alteration is inconclusive. Based on the available evidence, the clinical significance of this alteration remains unclear.